The following is an entry in ClinVar:

NM_181486.4(TBX5):c.1376C>A (p.Thr459Asn)

Gene: TBX5 (T-box transcription factor 5; minus strand). Cytogenetic location: 12q24.21.
Variant type: single nucleotide variant.
Coding change: c.1376C>A on transcript NM_181486.4 (MANE Select); coding-DNA position 1376, C replaced by A.
Protein change: p.Thr459Asn; replaces threonine 459 with asparagine.
Molecular consequence: missense variant.
Genome position (GRCh38, 1-based): chr12:114,355,713, G>T on the plus strand (C>A on the coding strand, the complement: TBX5 is on the minus strand). VCF-style: chr12-114355713-G-T. GRCh37 (hg19) VCF-style: chr12-114793518-G-T.
Other names: c.1376C>A, p.Thr459Asn (NM_000192.3); c.1226C>A, p.Thr409Asn (NM_080717.4); short protein forms T409N, T459N.
Identifiers: ClinVar variation 1771163 (VCV001771163.2), dbSNP rs2540424823, ClinGen allele CA386925190.

ClinVar aggregate classification (germline): Uncertain significance (1 of 4 stars; one submission).

Conditions:
Cardiovascular phenotype. Identifiers: MedGen CN230736.

Submission:

Ambry Genetics
Classification: Uncertain significance for Cardiovascular phenotype. Last evaluated: 2019-01-21. Review status: criteria provided, single submitter. Criteria: Ambry Variant Classification Scheme 2023. Collection method: clinical testing. Allele origin: germline.
Comment: The p.T459N variant (also known as c.1376C>A), located in coding exon 8 of the TBX5 gene, results from a C to A substitution at nucleotide position 1376. The threonine at codon 459 is replaced by asparagine, an amino acid with similar properties. This amino acid position is not well conserved in available vertebrate species, and asparagine is the reference amino acid in other vertebrate species. In addition, this alteration is predicted to be tolerated by in silico analysis. Since supporting evidence is limited at this time, the clinical significance of this alteration remains unclear.